The following is an entry in ClinVar:

ClinVar aggregate classification (germline): Conflicting classifications of pathogenicity. Review status: criteria provided, conflicting classifications (1 of 4 stars). 4 submissions from 3 submitters: Uncertain significance (3); Likely benign (1). Last evaluated 2025-12-03.

Conditions:
Immunodeficiency 95 (IMD95). Identifiers: MedGen C5676929, MONDO:0030692, OMIM 619773.
Singleton-Merten syndrome 1 (SGMRT1). Also called: Widened medullary cavities of bone, aortic calcification, abnormal dentition, and muscular weakness; Syndrome of widened medullary cavities of the metacarpals and phalanges, aortic calcification and abnormal dentition. Identifiers: Orphanet 85191, MedGen C4225427, MONDO:0024535, OMIM 182250.
Aicardi-Goutieres syndrome 7 (AGS7). Identifiers: Orphanet 51, MedGen C3888244, MONDO:0014367, OMIM 615846.

Allele frequency attached by ClinVar (database versions not stated): gnomAD exomes 0.00007; 1000 Genomes Project 30x 0.00016; 1000 Genomes Project 0.00020; gnomAD 0.00006; TOPMed 0.00011; ExAC 0.00007.
gnomAD v4.1: 64 of 1,612,072 alleles (0.004%); highest among the groups gnomAD compares: Admixed American, 0.032%; no homozygotes.

Submissions (4):

Labcorp Genetics (formerly Invitae), Labcorp
Classification: Likely benign for Aicardi-Goutieres syndrome 7; Singleton-Merten syndrome 1. Last evaluated: 2025-12-03. Review status: criteria provided, single submitter. Criteria: Invitae Variant Classification Sherloc (09022015). Collection method: clinical testing. Allele origin: germline.

GeneDx
Classification: Uncertain significance. Last evaluated: 2022-10-03. Review status: criteria provided, single submitter. Criteria: GeneDx Variant Classification Process June 2021. Collection method: clinical testing. Allele origin: germline. Affected: yes.
Comment: In silico analysis supports that this missense variant has a deleterious effect on protein structure/function; Has not been previously published as pathogenic or benign to our knowledge

Center for Genomics, Ann and Robert H. Lurie Children's Hospital of Chicago
Classification: Uncertain significance for Immunodeficiency 95; Aicardi-Goutieres syndrome 7; Singleton-Merten syndrome 1. Last evaluated: 2021-03-30. Review status: criteria provided, single submitter. Criteria: ACMG Guidelines, 2015. Collection method: clinical testing. Allele origin: germline.
Comment: IFIH1 NM_022168.3 exon 6 p.Gln415Lys (c.1243C>A): This variant has not been reported in the literature but is present in 0.03% (11/34428) of Latino alleles in the Genome Aggregation Database. This variant is present in ClinVar (Variation ID:541774). Evolutionary conservation and computational predictive tools suggest that this variant may impact the protein. In summary, data on this variant is insufficient for disease classification. Therefore, the clinical significance of this variant is uncertain.

Center for Genomics, Ann and Robert H. Lurie Children's Hospital of Chicago
Classification: Uncertain significance for Aicardi-Goutieres syndrome 7; Singleton-Merten syndrome 1. Last evaluated: 2020-08-20. Review status: criteria provided, single submitter. Criteria: ACMG Guidelines, 2015. Collection method: clinical testing. Allele origin: germline.
Comment: the same text as in the submission from Center for Genomics, Ann and Robert H. Lurie Children's Hospital of Chicago above.

NM_022168.4(IFIH1):c.1243C>A (p.Gln415Lys)

Gene: IFIH1 (interferon induced with helicase C domain 1; minus strand). Cytogenetic location: 2q24.2.
Variant type: single nucleotide variant.
Coding change: c.1243C>A on transcript NM_022168.4 (MANE Select); coding-DNA position 1243, C replaced by A.
Protein change: p.Gln415Lys; replaces glutamine 415 with lysine.
Molecular consequence: missense variant.
Genome position (GRCh38, 1-based): chr2:162,282,429, G>T on the plus strand (C>A on the coding strand, the complement: IFIH1 is on the minus strand). VCF-style: chr2-162282429-G-T. GRCh37 (hg19) VCF-style: chr2-163138939-G-T.
Other names: c.1243C>A, p.Gln415Lys (LRG_1235t1); short protein forms Q415K.
Identifiers: ClinVar variation 541774 (VCV000541774.11), dbSNP rs575678322, ClinGen allele CA1934583.